The following is an entry in ClinVar:

ClinVar aggregate classification (germline): Uncertain significance. Review status: criteria provided, multiple submitters, no conflicts (2 of 4 stars). 3 submissions from 3 submitters: Uncertain significance (3). Last evaluated 2024-10-23.

Conditions:
Inborn genetic diseases. Identifiers: MedGen C0950123, MeSH D030342.
Generalized epilepsy-paroxysmal dyskinesia syndrome (PNKD3). Also called: Generalized epilepsy and paroxysmal dyskinesia; Paroxysmal nonkinesigenic dyskinesia, 3, with or without generalized epilepsy. Identifiers: Orphanet 79137, MedGen C5574945, MONDO:0012276, OMIM 609446.

Allele frequency attached by ClinVar (database versions not stated): gnomAD exomes below 0.00001; TOPMed below 0.00001.
gnomAD v4.1: 3 of 1,613,956 alleles (0.00019%); highest among the groups gnomAD compares: Non-Finnish European, 0.00025%; no homozygotes.

Submissions (3):

Labcorp Genetics (formerly Invitae), Labcorp
Classification: Uncertain significance for Generalized epilepsy-paroxysmal dyskinesia syndrome. Last evaluated: 2024-10-23. Review status: criteria provided, single submitter. Criteria: Invitae Variant Classification Sherloc (09022015). Collection method: clinical testing. Allele origin: germline.
Comment: This sequence change replaces proline, which is neutral and non-polar, with leucine, which is neutral and non-polar, at codon 1031 of the KCNMA1 protein (p.Pro1031Leu). This variant is not present in population databases (gnomAD no frequency). This variant has not been reported in the literature in individuals affected with KCNMA1-related conditions. ClinVar contains an entry for this variant (Variation ID: 1515277). An algorithm developed to predict the effect of missense changes on protein structure and function (PolyPhen-2) suggests that this variant¬†is likely to be tolerated. In summary, the available evidence is currently insufficient to determine the role of this variant in disease. Therefore, it has been classified as a Variant of Uncertain Significance.

Ambry Genetics
Classification: Uncertain significance for Inborn genetic diseases. Last evaluated: 2024-03-07. Review status: criteria provided, single submitter. Criteria: Ambry Variant Classification Scheme 2023. Collection method: clinical testing. Allele origin: germline.

Blueprint Genetics
Classification: Uncertain significance. Last evaluated: 2022-07-18. Review status: criteria provided, single submitter. Criteria: ACMG Guidelines, 2015. Collection method: clinical testing. Allele origin: germline.

NM_001161352.2(KCNMA1):c.3266C>T (p.Pro1089Leu)

Genes: KCNMA1 (potassium calcium-activated channel subfamily M alpha 1; minus strand), KCNMA1-AS1 (KCNMA1 antisense RNA 1; plus strand). Cytogenetic location: 10q22.3.
Variant type: single nucleotide variant.
Coding change: c.3266C>T on transcript NM_001161352.2 (MANE Select); coding-DNA position 3266, C replaced by T.
Protein change: p.Pro1089Leu; replaces proline 1089 with leucine.
Molecular consequence: missense variant.
Genome position (GRCh38, 1-based): chr10:76,891,601, G>A on the plus strand (C>T on the coding strand, the complement: KCNMA1 is on the minus strand). VCF-style: chr10-76891601-G-A. GRCh37 (hg19) VCF-style: chr10-78651359-G-A.
Other names: c.3092C>T (NM_002247.3); c.3104C>T, p.Pro1035Leu (NM_001014797.3); c.3215C>T, p.Pro1072Leu (NM_001161353.2); c.2942C>T, p.Pro981Leu (NM_001271518.2); c.3182C>T, p.Pro1061Leu (NM_001271519.2); c.3101C>T, p.Pro1034Leu (NM_001322829.2, NM_001322836.2); c.3194C>T, p.Pro1065Leu (NM_001322830.2); c.3092C>T, p.Pro1031Leu (NM_001322832.2, NM_002247.4); and 2 more; short protein forms P1031L, P1061L, P1065L, P880L, P1062L, P1089L, P1034L, P1035L.
Identifiers: ClinVar variation 1515277 (VCV001515277.7), dbSNP rs1208962527, ClinGen allele CA377403441.